The following is an entry in ClinVar:

NM_004415.4(DSP):c.832G>A (p.Ala278Thr)

Gene: DSP (desmoplakin; plus strand). Cytogenetic location: 6p24.3.
Variant type: single nucleotide variant.
Coding change: c.832G>A on transcript NM_004415.4 (MANE Select); coding-DNA position 832, G replaced by A.
Protein change: p.Ala278Thr; replaces alanine 278 with threonine.
Molecular consequence: missense variant.
Genome position (GRCh38, 1-based): chr6:7,565,413, G>A. VCF-style: chr6-7565413-G-A. GRCh37 (hg19) VCF-style: chr6-7565646-G-A.
Other names: c.832G>A, p.Ala278Thr (NM_001008844.3, NM_001319034.2, NM_001406591.1); short protein forms A278T.
Identifiers: ClinVar variation 4785665 (VCV004785665.2).

ClinVar aggregate classification (germline): Uncertain significance. Review status: criteria provided, multiple submitters, no conflicts (2 of 4 stars). 2 submissions from 2 submitters: Uncertain significance (2). Last evaluated 2026-03-07.

Conditions:
Arrhythmogenic cardiomyopathy with wooly hair and keratoderma. Also called: Carvajal syndrome; Dilated cardiomyopathy with woolly hair and keratoderma; PALMOPLANTAR KERATODERMA WITH LEFT VENTRICULAR CARDIOMYOPATHY AND WOOLLY HAIR; Arrhythmogenic cardiomyopathy with woolly hair and keratoderma. Identifiers: Orphanet 65282, MedGen C1854063, MONDO:0011581, OMIM 605676.
Arrhythmogenic right ventricular dysplasia 8 (ARVD8). Also called: Arrhythmogenic Right Ventricular Dysplasia/Cardiomyopathy 8; ARRHYTHMOGENIC RIGHT VENTRICULAR DYSPLASIA, FAMILIAL, 8; ARRHYTHMOGENIC RIGHT VENTRICULAR CARDIOMYOPATHY 8. Identifiers: MedGen C1843896, MONDO:0011831, OMIM 607450.

Submissions (2):

GeneDx
Classification: Uncertain significance. Last evaluated: 2026-03-07. Review status: criteria provided, single submitter. Criteria: GeneDx Variant Classification Process June 2021. Collection method: clinical testing. Allele origin: germline.
Comment: Not observed at significant frequency in large population cohorts (gnomAD); In silico analysis supports that this missense variant has a deleterious effect on protein structure/function; Has not been previously published as pathogenic or benign to our knowledge

Labcorp Genetics (formerly Invitae), Labcorp
Classification: Uncertain significance for Arrhythmogenic cardiomyopathy with wooly hair and keratoderma; Arrhythmogenic right ventricular dysplasia 8. Last evaluated: 2025-07-24. Review status: criteria provided, single submitter. Criteria: Invitae Variant Classification Sherloc (09022015). Collection method: clinical testing. Allele origin: germline.
Comment: This sequence change replaces alanine, which is neutral and non-polar, with threonine, which is neutral and polar, at codon 278 of the DSP protein (p.Ala278Thr). This variant is not present in population databases (gnomAD no frequency). This variant has not been reported in the literature in individuals affected with DSP-related conditions. An algorithm developed to predict the effect of missense changes on protein structure and function (PolyPhen-2) suggests that this variant is likely to be disruptive. In summary, the available evidence is currently insufficient to determine the role of this variant in disease. Therefore, it has been classified as a Variant of Uncertain Significance.